The following is an entry in ClinVar:

ClinVar aggregate classification (germline): Likely pathogenic (1 of 4 stars; one submission).

Conditions:
Autosomal recessive limb-girdle muscular dystrophy type 2J (LGMDR10). Also called: Limb-girdle muscular dystrophy, type 2J; MUSCULAR DYSTROPHY, LIMB-GIRDLE, AUTOSOMAL RECESSIVE 10. Identifiers: Orphanet 140922, MedGen C1837342, MONDO:0012127, OMIM 608807.
Dilated cardiomyopathy 1G (CMD1G). Identifiers: Orphanet 154, MedGen C1858763, MONDO:0011400, OMIM 604145.

Submission:

Labcorp Genetics (formerly Invitae), Labcorp
Classification: Likely pathogenic for Dilated cardiomyopathy 1G; Autosomal recessive limb-girdle muscular dystrophy type 2J. Last evaluated: 2025-05-26. Review status: criteria provided, single submitter. Criteria: Invitae Variant Classification Sherloc (09022015). Collection method: clinical testing. Allele origin: germline.
Comment: This sequence change creates a premature translational stop signal (p.Ala13625Glnfs*28) in the TTN gene. While this is not anticipated to result in nonsense mediated decay, it is expected to create a truncated TTN protein. This variant is not present in population databases (gnomAD no frequency). This variant has not been reported in the literature in individuals affected with TTN-related conditions. This variant is located in the I band of TTN (PMID: 25589632). Truncating variants in this region have been reported in individuals affected with autosomal recessive centronuclear myopathy (PMID: 23975875, internal data). Truncating variants in this region have also been identified in individuals affected with autosomal dominant dilated cardiomyopathy and/or cardio-related conditions (PMID: 27869827, 32964742, internal data). In summary, the currently available evidence indicates that the variant is pathogenic, but additional data are needed to prove that conclusively. Therefore, this variant has been classified as Likely Pathogenic.

Literature cited by the submitters: PubMed 25589632; PubMed 23975875; PubMed 27869827; PubMed 32964742.

NM_001267550.2(TTN):c.40869del (p.Ala13625fs)

Gene: TTN (titin; minus strand). Cytogenetic location: 2q31.2.
Variant type: Deletion.
Coding change: c.40869del on transcript NM_001267550.2 (MANE Select); coding-DNA position 40869, one base deleted (G; older notation c.40869delG).
Protein change: p.Ala13625fs; shifts the reading frame from alanine 13625.
Molecular consequence: frameshift variant.
Genome position (GRCh38, 1-based): chr2:178,639,706, C deleted on the plus strand (G on the coding strand, the reverse complement: TTN is on the minus strand). VCF-style (leftmost placement, unchanged base first): chr2-178639705-TC-T. GRCh37 (hg19) VCF-style: chr2-179504432-TC-T.
Other names: c.35946del, p.Ala11984fs (NM_001256850.1); c.13674del, p.Ala4560fs (NM_003319.4); c.33165del, p.Ala11057fs (NM_133378.4); c.14049del, p.Ala4685fs (NM_133432.3); c.14250del, p.Ala4752fs (NM_133437.4); short protein forms A4560fs, A4685fs, A4752fs, A11984fs, A11057fs, A13625fs.
Identifiers: ClinVar variation 4785109 (VCV004785109.1).
Genomic context (GRCh38, chr2:178,639,705, plus strand): 5'-CTTTTATTAAGTCACCAAAACAAACTAGCAAAAAGAAAGCTACAGGATAAATACCTGCTT[TC>T]TTTCCAACCACTGGCACTGTTACTGGGGCAGCGATGGGGGTTGGTTCAGGTTCCACAGGA-3'